The following is an entry in ClinVar:

ClinVar aggregate classification (germline): Uncertain significance (1 of 4 stars; one submission).

Allele frequency attached by ClinVar (database versions not stated): gnomAD exomes below 0.00001 and 0.00002; ExAC 0.00001; gnomAD 0.00001; TOPMed 0.00001.
gnomAD v4.1: 8 of 1,612,374 alleles (0.0005%); highest among the groups gnomAD compares: East Asian, 0.011%; no homozygotes.

Submission:

Labcorp Genetics (formerly Invitae), Labcorp
Classification: Uncertain significance. Last evaluated: 2021-09-01. Review status: criteria provided, single submitter. Criteria: Invitae Variant Classification Sherloc (09022015). Collection method: clinical testing. Allele origin: germline.
Comment: This sequence change replaces arginine with histidine at codon 512 of the TTLL5 protein (p.Arg512His). The arginine residue is highly conserved and there is a small physicochemical difference between arginine and histidine. This variant is present in population databases (rs770398766, ExAC 0.001%). This variant has not been reported in the literature in individuals affected with TTLL5-related conditions. Algorithms developed to predict the effect of missense changes on protein structure and function (SIFT, PolyPhen-2, Align-GVGD) all suggest that this variant is likely to be tolerated. In summary, the available evidence is currently insufficient to determine the role of this variant in disease. Therefore, it has been classified as a Variant of Uncertain Significance.

NM_015072.5(TTLL5):c.1535G>A (p.Arg512His)

Gene: TTLL5 (tubulin tyrosine ligase like 5; plus strand). Cytogenetic location: 14q24.3.
Variant type: single nucleotide variant.
Coding change: c.1535G>A on transcript NM_015072.5 (MANE Select); coding-DNA position 1535, G replaced by A.
Protein change: p.Arg512His; replaces arginine 512 with histidine.
Molecular consequence: missense variant.
Genome position (GRCh38, 1-based): chr14:75,752,940, G>A. VCF-style: chr14-75752940-G-A. GRCh37 (hg19) VCF-style: chr14-76219283-G-A.
Other names: short protein forms R512H.
Identifiers: ClinVar variation 1009698 (VCV001009698.6), dbSNP rs770398766, ClinGen allele CA7279420.
Genomic context (GRCh38, chr14:75,752,940, plus strand): 5'-CTTTGCTTTTCAGGTCCTACCTCGAGCATAAGACCTCAATGAACTATATGCTGGCAACAC[G>A]CCTCTTCCAGGACAGGTAGAGATTTGCTAAACTTTAAATTTAGGACTAGATCACAAGATT-3'
Protein context (NP_055887.3, residues 502-522): KTSMNYMLAT[Arg512His]LFQDRMTADG